The following is an entry in ClinVar:

NM_032444.4(SLX4):c.1598G>T (p.Gly533Val)

Gene: SLX4 (SLX4 structure-specific endonuclease subunit; minus strand). Cytogenetic location: 16p13.3.
Variant type: single nucleotide variant.
Coding change: c.1598G>T on transcript NM_032444.4 (MANE Select); coding-DNA position 1598, G replaced by T.
Protein change: p.Gly533Val; replaces glycine 533 with valine.
Molecular consequence: missense variant.
Genome position (GRCh38, 1-based): chr16:3,597,464, C>A on the plus strand (G>T on the coding strand, the complement: SLX4 is on the minus strand). VCF-style: chr16-3597464-C-A. GRCh37 (hg19) VCF-style: chr16-3647465-C-A.
Other names: short protein forms G533V.
Identifiers: ClinVar variation 1058241 (VCV001058241.9), dbSNP rs369243098, ClinGen allele CA394528731.

ClinVar aggregate classification (germline): Uncertain significance (1 of 4 stars; one submission).

Conditions:
Fanconi anemia (FA). Also called: Fanconi's anemia. Identifiers: Orphanet 84, MedGen C0015625, MeSH D005199, MONDO:0019391.

Submission:

Labcorp Genetics (formerly Invitae), Labcorp
Classification: Uncertain significance for Fanconi anemia. Last evaluated: 2020-03-08. Review status: criteria provided, single submitter. Criteria: Invitae Variant Classification Sherloc (09022015). Collection method: clinical testing. Allele origin: germline.
Comment: In summary, the available evidence is currently insufficient to determine the role of this variant in disease. Therefore, it has been classified as a Variant of Uncertain Significance. Algorithms developed to predict the effect of sequence changes on RNA splicing suggest that this variant may create or strengthen a splice site, but this prediction has not been confirmed by published transcriptional studies. Algorithms developed to predict the effect of missense changes on protein structure and function are either unavailable or do not agree on the potential impact of this missense change (SIFT: "Tolerated"; PolyPhen-2: "Possibly Damaging"; Align-GVGD: "Class C0"). This variant has not been reported in the literature in individuals with SLX4-related conditions. This variant is not present in population databases (ExAC no frequency). This sequence change replaces glycine with valine at codon 533 of the SLX4 protein (p.Gly533Val). The glycine residue is weakly conserved and there is a moderate physicochemical difference between glycine and valine.